The following is an entry in ClinVar:

NM_005802.5(TOPORS):c.756A>C (p.Glu252Asp)

Gene: TOPORS (TOP1 binding arginine/serine rich protein, E3 ubiquitin ligase; minus strand). Cytogenetic location: 9p21.1.
Variant type: single nucleotide variant.
Coding change: c.756A>C on transcript NM_005802.5 (MANE Select); coding-DNA position 756, A replaced by C.
Protein change: p.Glu252Asp; replaces glutamic acid 252 with aspartic acid.
Molecular consequence: missense variant.
Genome position (GRCh38, 1-based): chr9:32,543,769, T>G on the plus strand (A>C on the coding strand, the complement: TOPORS is on the minus strand). VCF-style: chr9-32543769-T-G. GRCh37 (hg19) VCF-style: chr9-32543767-T-G.
Other names: c.561A>C, p.Glu187Asp (NM_001195622.2); short protein forms E187D, E252D.
Identifiers: ClinVar variation 3008829 (VCV003008829.3), dbSNP rs138724249, ClinGen allele CA5020604.
Genomic context (GRCh38, chr9:32,543,769, plus strand): 5'-AATATTTCTAACTCGAGCACCAGCACGATAAAGAGTTCGTCTAAAATTAATAATATCTTG[T>G]TCTTGAATTTTCCGCAAAGATCTTTCATCTGCCGTAGTTGGCCTCCTTACTGCAATCTGT-3'
Protein context (NP_005793.2, residues 242-262): ADERSLRKIQ[Glu252Asp]QDIINFRRTL

ClinVar aggregate classification (germline): Uncertain significance (1 of 4 stars; one submission).

Allele frequency attached by ClinVar (database versions not stated): gnomAD exomes below 0.00001; ExAC 0.00001; gnomAD 0.00001; TOPMed 0.00002; ESP Exome Variant Server 0.00008.

Submission:

Labcorp Genetics (formerly Invitae), Labcorp
Classification: Uncertain significance. Last evaluated: 2022-11-23. Review status: criteria provided, single submitter. Criteria: Invitae Variant Classification Sherloc (09022015). Collection method: clinical testing. Allele origin: germline.
Comment: In summary, the available evidence is currently insufficient to determine the role of this variant in disease. Therefore, it has been classified as a Variant of Uncertain Significance. Algorithms developed to predict the effect of missense changes on protein structure and function are either unavailable or do not agree on the potential impact of this missense change (SIFT: "Deleterious"; PolyPhen-2: "Probably Damaging"; Align-GVGD: "Class C0"). This variant has not been reported in the literature in individuals affected with TOPORS-related conditions. This variant is present in population databases (rs138724249, gnomAD 0.007%). This sequence change replaces glutamic acid, which is acidic and polar, with aspartic acid, which is acidic and polar, at codon 252 of the TOPORS protein (p.Glu252Asp).